The following is an entry in ClinVar:

ClinVar aggregate classification (germline): Uncertain significance (1 of 4 stars; one submission).

Submission:

Labcorp Genetics (formerly Invitae), Labcorp
Classification: Uncertain significance. Last evaluated: 2025-04-09. Review status: criteria provided, single submitter. Criteria: Invitae Variant Classification Sherloc (09022015). Collection method: clinical testing. Allele origin: germline.
Comment: This sequence change replaces glutamic acid, which is acidic and polar, with lysine, which is basic and polar, at codon 199 of the DSTYK protein (p.Glu199Lys). This variant is not present in population databases (gnomAD no frequency). This variant has not been reported in the literature in individuals affected with DSTYK-related conditions. An algorithm developed to predict the effect of missense changes on protein structure and function outputs the following: PolyPhen-2: "Benign". The lysine amino acid residue is found in multiple mammalian species, which suggests that this missense change does not adversely affect protein function. In summary, the available evidence is currently insufficient to determine the role of this variant in disease. Therefore, it has been classified as a Variant of Uncertain Significance.

NM_015375.3(DSTYK):c.595G>A (p.Glu199Lys)

Gene: DSTYK (dual serine/threonine and tyrosine protein kinase; minus strand). Cytogenetic location: 1q32.1.
Variant type: single nucleotide variant.
Coding change: c.595G>A on transcript NM_015375.3 (MANE Select); coding-DNA position 595, G replaced by A.
Protein change: p.Glu199Lys; replaces glutamic acid 199 with lysine.
Molecular consequence: missense variant.
Genome position (GRCh38, 1-based): chr1:205,187,477, C>T on the plus strand (G>A on the coding strand, the complement: DSTYK is on the minus strand). VCF-style: chr1-205187477-C-T. GRCh37 (hg19) VCF-style: chr1-205156605-C-T.
Other names: c.595G>A, p.Glu199Lys (NM_199462.3); short protein forms E199K.
Identifiers: ClinVar variation 4704189 (VCV004704189.1).